The following is an entry in ClinVar:

ClinVar aggregate classification (germline): Likely benign. Review status: criteria provided, multiple submitters, no conflicts (2 of 4 stars). 5 submissions from 4 submitters: Likely benign (5). Last evaluated 2024-06-03.

Conditions:
Retinitis pigmentosa 39 (RP39). Identifiers: Orphanet 791, MedGen C3151138, MONDO:0013436, OMIM 613809.
Usher syndrome type 2A. Also called: USHER SYNDROME, TYPE IIA; RETINAL DISEASE IN USHER SYNDROME TYPE IIA, MODIFIER OF. Identifiers: Orphanet 231178, Orphanet 886, MedGen C1848634, MONDO:0010169, OMIM 276901.

Allele frequency attached by ClinVar (database versions not stated): TOPMed 0.00001.
gnomAD v4.1: 70 of 1,613,758 alleles (0.0043%); highest among the groups gnomAD compares: Non-Finnish European, 0.0014%; no homozygotes.

Submissions (5):

Blueprint Genetics
Classification: Likely benign. Last evaluated: 2024-06-03. Review status: criteria provided, single submitter. Criteria: ACMG Guidelines, 2015. Collection method: clinical testing. Allele origin: germline.

Labcorp Genetics (formerly Invitae), Labcorp
Classification: Likely benign. Last evaluated: 2023-12-19. Review status: criteria provided, single submitter. Criteria: Invitae Variant Classification Sherloc (09022015). Collection method: clinical testing. Allele origin: germline.

Genome-Nilou Lab
Classification: Likely benign for Retinitis pigmentosa 39. Last evaluated: 2023-04-11. Review status: criteria provided, single submitter. Criteria: ACMG Guidelines, 2015. Collection method: clinical testing. Allele origin: germline. Affected: no.

Genome-Nilou Lab
Classification: Likely benign for Usher syndrome type 2A. Last evaluated: 2023-04-11. Review status: criteria provided, single submitter. Criteria: ACMG Guidelines, 2015. Collection method: clinical testing. Allele origin: germline. Affected: no.

Laboratory for Molecular Medicine, Mass General Brigham Personalized Medicine
Classification: Likely benign. Last evaluated: 2013-06-05. Review status: criteria provided, single submitter. Criteria: LMM Criteria. Collection method: clinical testing. Allele origin: germline. Observed: 1 variant allele.
Comment: 10740+7G>C in Intron 54 of USH2A: This variant is not expected to have clinical significance because it is not located within the conserved region of the splice consensus sequence.

NM_206933.4(USH2A):c.10740+7G>C

Gene: USH2A (usherin; minus strand). Cytogenetic location: 1q41.
Variant type: single nucleotide variant.
Coding change: c.10740+7G>C on transcript NM_206933.4 (MANE Select); 7 bases into the intron after coding-DNA position 10740, G replaced by C.
Molecular consequence: intron variant.
Genome position (GRCh38, 1-based): chr1:215,782,035, C>G on the plus strand (G>C on the coding strand, the complement: USH2A is on the minus strand). VCF-style: chr1-215782035-C-G. GRCh37 (hg19) VCF-style: chr1-215955377-C-G.
Identifiers: ClinVar variation 166450 (VCV000166450.15), dbSNP rs201206110, ClinGen allele CA179521.